The following is an entry in ClinVar:

ClinVar aggregate classification (germline): Uncertain significance. Review status: criteria provided, multiple submitters, no conflicts (2 of 4 stars). 7 submissions from 7 submitters: Uncertain significance (7). Last evaluated 2025-12-30.

Conditions:
BRCA2-related disorder. Also called: BRCA2-related condition; BRCA2-related disorders. Identifiers: MedGen CN239275.
Hereditary cancer-predisposing syndrome. Also called: Neoplastic Syndromes, Hereditary; Hereditary Cancer Syndrome; Hereditary neoplastic syndrome; Tumor predisposition. Identifiers: Orphanet 140162, MedGen C0027672, MeSH D009386, MONDO:0015356.
Hereditary breast ovarian cancer syndrome. Also called: Hereditary breast and ovarian cancer syndrome; Hereditary breast and/or ovarian cancer syndrome; BRCA1- and BRCA2-Associated Hereditary Breast and Ovarian Cancer; Hereditary breast and ovarian cancer; Breast and ovarian cancer; Hereditary breast and ovarian cancer syndrome (HBOC). Identifiers: Orphanet 145, MedGen C0677776, MeSH D061325, MONDO:0003582. Disease mechanism: loss of function.
Breast-ovarian cancer, familial, susceptibility to, 2 (BROVCA2). Also called: BRCA2 Hereditary Breast and Ovarian Cancer. Identifiers: Orphanet 145, MedGen C2675520, MONDO:0012933, OMIM 612555. Disease mechanism: loss of function.

Allele frequency attached by ClinVar (database versions not stated): TOPMed 0.00001.

Submissions (7):

Labcorp Genetics (formerly Invitae), Labcorp
Classification: Uncertain significance for Hereditary breast ovarian cancer syndrome. Last evaluated: 2025-12-30. Review status: criteria provided, single submitter. Criteria: Invitae Variant Classification Sherloc (09022015). Collection method: clinical testing. Allele origin: germline.
Comment: This sequence change replaces phenylalanine, which is neutral and non-polar, with tyrosine, which is neutral and polar, at codon 2356 of the BRCA2 protein (p.Phe2356Tyr). This variant is not present in population databases (gnomAD no frequency). This variant has not been reported in the literature in individuals affected with BRCA2-related conditions. ClinVar contains an entry for this variant (Variation ID: 141565). Invitae Evidence Modeling of protein sequence and biophysical properties (such as structural, functional, and spatial information, amino acid conservation, physicochemical variation, residue mobility, and thermodynamic stability) indicates that this missense variant is not expected to disrupt BRCA2 protein function with a negative predictive value of 95%. In summary, the available evidence is currently insufficient to determine the role of this variant in disease. Therefore, it has been classified as a Variant of Uncertain Significance.

Ambry Genetics
Classification: Uncertain significance for Hereditary cancer-predisposing syndrome. Last evaluated: 2025-02-15. Review status: criteria provided, single submitter. Criteria: Ambry Variant Classification Scheme 2023. Collection method: clinical testing. Allele origin: germline.
Comment: The p.F2356Y variant (also known as c.7067T>A), located in coding exon 13 of the BRCA2 gene, results from a T to A substitution at nucleotide position 7067. The phenylalanine at codon 2356 is replaced by tyrosine, an amino acid with highly similar properties. This amino acid position is not well conserved in available vertebrate species. In addition, this alteration is predicted to be tolerated by in silico analysis. Since supporting evidence is limited at this time, the clinical significance of this alteration remains unclear.

All of Us Research Program, National Institutes of Health
Classification: Uncertain significance for Breast-ovarian cancer, familial, susceptibility to, 2. Last evaluated: 2023-11-02. Review status: criteria provided, single submitter. Criteria: ACMG Guidelines, 2015. Collection method: clinical testing. Allele origin: germline. Inheritance: Autosomal dominant inheritance. Observed: 1 variant allele, 1 heterozygote.
Comment: This missense variant replaces phenylalanine with tyrosine at codon 2356 of the BRCA2 protein. Computational prediction suggests that this variant may not impact protein structure and function (internally defined REVEL score threshold <= 0.5, PMID: 27666373). To our knowledge, functional studies have not been reported for this variant. This variant has not been reported in individuals affected with BRCA2-related disorders in the literature. This variant has not been identified in the general population by the Genome Aggregation Database (gnomAD). The available evidence is insufficient to determine the role of this variant in disease conclusively. Therefore, this variant is classified as a Variant of Uncertain Significance.

This study involves interpretation of variants in research participants for the purpose of population health screening. Participant phenotype was not available at the time of variant classification. Additional details can be found in publication PMID: 35346344, PMCID: PMC8962531

Color Diagnostics, LLC DBA Color Health
Classification: Uncertain significance for Hereditary cancer-predisposing syndrome. Last evaluated: 2023-10-19. Review status: criteria provided, single submitter. Criteria: ACMG Guidelines, 2015. Collection method: clinical testing. Allele origin: germline.
Comment: This missense variant replaces phenylalanine with tyrosine at codon 2356 of the BRCA2 protein. Computational prediction suggests that this variant may not impact protein structure and function. To our knowledge, functional studies have not been reported for this variant. This variant has not been reported in individuals affected with BRCA2-related disorders in the literature. This variant has not been identified in the general population by the Genome Aggregation Database (gnomAD). The available evidence is insufficient to determine the role of this variant in disease conclusively. Therefore, this variant is classified as a Variant of Uncertain Significance.

PreventionGenetics, part of Exact Sciences
Classification: Uncertain significance for BRCA2-related condition. Last evaluated: 2023-07-31. Review status: criteria provided, single submitter. Criteria: ACMG Guidelines, 2015. Collection method: clinical testing. Allele origin: germline.
Comment: The BRCA2 c.7067T>A variant is predicted to result in the amino acid substitution p.Phe2356Tyr. To our knowledge, this variant has not been reported in the literature or in a large population database, indicating this variant is rare. It is interpreted as a variant of uncertain significance in ClinVar. At this time, the clinical significance of this variant is uncertain due to the absence of conclusive functional and genetic evidence.

Women's Health and Genetics/Laboratory Corporation of America, LabCorp
Classification: Uncertain significance. Last evaluated: 2017-12-21. Review status: criteria provided, single submitter. Criteria: LabCorp Variant Classification Summary - May 2015. Collection method: clinical testing. Allele origin: germline.
Comment: Variant summary: The BRCA2 c.7067T>A (p.Phe2356Tyr) variant involves the alteration of a non-conserved nucleotide. 4/5 in silico tools predict a benign outcome for this variant. This variant is absent in 276822 control chromosomes (gnomAD). In addition, multiple clinical diagnostic laboratories/reputable databases classified this variant as uncertain significance. The variant of interest has not, to our knowledge, been reported in affected individuals via publications and/or reputable databases/clinical diagnostic laboratories; nor evaluated for functional impact by in vivo/vitro studies. Because of the absence of clinical information and the lack of functional studies, the variant is classified as a variant of uncertain significance (VUS).

GeneDx
Classification: Uncertain significance. Last evaluated: 2017-05-25. Review status: criteria provided, single submitter. Criteria: GeneDx Variant Classification (06012015). Collection method: clinical testing. Allele origin: germline. Affected: yes.
Comment: This variant is denoted BRCA2 c.7067T>A at the cDNA level, p.Phe2356Tyr (F2356Y) at the protein level, and results in the change of a Phenylalanine to a Tyrosine (TTT>TAT). Using alternate nomenclature, this variant would be defined as BRCA2 7295T>A. This variant has not, to our knowledge, been published in the literature as pathogenic or benign. BRCA2 Phe2356Tyr was not observed in large population cohorts (NHLBI Exome Sequencing Project, The 1000 Genomes Consortium 2015, Lek 2016). Since Phenylalanine and Tyrosine differ in polarity, charge, size or other properties, this is considered a non-conservative amino acid substitution. BRCA2 Phe2356Tyr occurs at a position where amino acids with properties similar to Phenylalanine are tolerated across species and is located in the region of interaction with FANCD2 (Uniprot). In silico analyses are inconsistent regarding the effect this variant may have on protein structure and function. Based on currently available evidence, it is unclear whether BRCA2 Phe2356Tyr is a pathogenic or benign variant. We consider it to be a variant of uncertain significance.

NM_000059.4(BRCA2):c.7067T>A (p.Phe2356Tyr)

Gene: BRCA2 (BRCA2 DNA repair associated; plus strand). Cytogenetic location: 13q13.1.
Variant type: single nucleotide variant.
Coding change: c.7067T>A on transcript NM_000059.4 (MANE Select); coding-DNA position 7067, T replaced by A.
Protein change: p.Phe2356Tyr; replaces phenylalanine 2356 with tyrosine.
Molecular consequence: missense variant.
Genome position (GRCh38, 1-based): chr13:32,354,920, T>A. VCF-style: chr13-32354920-T-A. GRCh37 (hg19) VCF-style: chr13-32929057-T-A.
Other names: short protein forms F2356Y.
Identifiers: ClinVar variation 141565 (VCV000141565.17), dbSNP rs587781844, ClinGen allele CA024832.